The following is an entry in ClinVar:

ClinVar aggregate classification (germline): Likely benign (0 of 4 stars; one submission).

Conditions:
AHDC1-related disorder. Also called: AHDC1-related condition.

Allele frequency attached by ClinVar (database versions not stated): gnomAD exomes 0.00001; ExAC 0.00002; gnomAD 0.00003; TOPMed 0.00010; ESP Exome Variant Server 0.00015.
gnomAD v4.1: 18 of 1,613,646 alleles (0.0011%); highest among the groups gnomAD compares: African/African-American, 0.021%; no homozygotes.

Submission:

PreventionGenetics, part of Exact Sciences
Classification: Likely benign for AHDC1-related condition. Last evaluated: 2023-07-06. Review status: no assertion criteria provided. Collection method: clinical testing. Allele origin: germline.
Comment: This variant is classified as likely benign based on ACMG/AMP sequence variant interpretation guidelines (Richards et al. 2015 PMID: 25741868, with internal and published modifications).

NM_001371928.1(AHDC1):c.729C>T (p.Asp243=)

Gene: AHDC1 (AT-hook DNA binding motif containing 1; minus strand). Cytogenetic location: 1p36.11.
Variant type: single nucleotide variant.
Coding change: c.729C>T on transcript NM_001371928.1 (MANE Select); coding-DNA position 729, C replaced by T.
Protein change: p.Asp243=; no amino-acid change (aspartic acid 243 retained).
Molecular consequence: synonymous variant.
Genome position (GRCh38, 1-based): chr1:27,551,387, G>A on the plus strand (C>T on the coding strand, the complement: AHDC1 is on the minus strand). VCF-style: chr1-27551387-G-A. GRCh37 (hg19) VCF-style: chr1-27877898-G-A.
Other names: c.729C>T, p.Asp243= (NM_001029882.3).
Identifiers: ClinVar variation 3058933 (VCV003058933.2), dbSNP rs147081238, ClinGen allele CA716092.